The following is an entry in ClinVar:

ClinVar aggregate classification (germline): Uncertain significance (1 of 4 stars; one submission).

Allele frequency attached by ClinVar (database versions not stated): TOPMed below 0.00001; gnomAD 0.00001.

Submission:

Labcorp Genetics (formerly Invitae), Labcorp
Classification: Uncertain significance. Last evaluated: 2022-02-09. Review status: criteria provided, single submitter. Criteria: Invitae Variant Classification Sherloc (09022015). Collection method: clinical testing. Allele origin: germline.
Comment: Algorithms developed to predict the effect of missense changes on protein structure and function are either unavailable or do not agree on the potential impact of this missense change (SIFT: "Deleterious"; PolyPhen-2: "Possibly Damaging"; Align-GVGD: "Class C0"). This variant has not been reported in the literature in individuals affected with KIDINS220-related conditions. This variant is not present in population databases (gnomAD no frequency). This sequence change replaces threonine, which is neutral and polar, with isoleucine, which is neutral and non-polar, at codon 1679 of the KIDINS220 protein (p.Thr1679Ile). In summary, the available evidence is currently insufficient to determine the role of this variant in disease. Therefore, it has been classified as a Variant of Uncertain Significance.

NM_020738.4(KIDINS220):c.5036C>T (p.Thr1679Ile)

Gene: KIDINS220 (kinase D interacting substrate 220; minus strand). Cytogenetic location: 2p25.1.
Variant type: single nucleotide variant.
Coding change: c.5036C>T on transcript NM_020738.4 (MANE Select); coding-DNA position 5036, C replaced by T.
Protein change: p.Thr1679Ile; replaces threonine 1679 with isoleucine.
Molecular consequence: missense variant. On other transcripts: intron variant (6).
Genome position (GRCh38, 1-based): chr2:8,731,000, G>A on the plus strand (C>T on the coding strand, the complement: KIDINS220 is on the minus strand). VCF-style: chr2-8731000-G-A. GRCh37 (hg19) VCF-style: chr2-8871130-G-A.
Other names: c.5039C>T, p.Thr1680Ile (NM_001348729.2); c.4982C>T, p.Thr1661Ile (NM_001348731.2); c.4979C>T, p.Thr1660Ile (NM_001348732.2); c.4868C>T, p.Thr1623Ile (NM_001348734.2); c.4865C>T, p.Thr1622Ile (NM_001348735.2); c.4739C>T, p.Thr1580Ile (NM_001348736.2); c.3882+2444C>T (NM_001348741.2, NM_001348742.2, NM_001348743.2); c.3996+2444C>T (NM_001348738.2); and 1 more; short protein forms T1580I, T1622I, T1623I, T1660I, T1661I, T1679I, T1680I.
Identifiers: ClinVar variation 2095442 (VCV002095442.4), dbSNP rs1663998046, ClinGen allele CA345762012.